The following is an entry in ClinVar:

ClinVar aggregate classification (germline): Pathogenic/Likely pathogenic. Review status: criteria provided, multiple submitters, no conflicts (2 of 4 stars). 8 submissions from 8 submitters: Pathogenic (3); Likely pathogenic (4). 1 of the submissions does not count toward it. Last evaluated 2026-02-04.

Conditions:
SNRNP200-related disorder. Also called: SNRNP200-related condition.
Retinal dystrophy. Also called: Inherited retinal dystrophy. Identifiers: Orphanet 71862, MedGen C0854723, MeSH D058499, MONDO:0019118, HP:0000556.
Retinitis pigmentosa (RP). Identifiers: Orphanet 791, MedGen C0035334, MeSH D012174, MONDO:0019200, OMIM 268000. Inheritance: Autosomal dominant, autosomal recessive and X linked inheritance.
Retinitis pigmentosa 33 (RP33). Identifiers: Orphanet 791, MedGen C1835895, MONDO:0012477, OMIM 610359.
Retinal disorder. Also called: Retinopathy; Retinopathies; Retinal Diseases; Retinal disorders. Identifiers: MedGen C0035309, MONDO:0005283, HP:0000488.

Allele frequency attached by ClinVar (database versions not stated): gnomAD exomes below 0.00001.
gnomAD v4.1: 3 of 1,614,084 alleles (0.00019%); highest among the groups gnomAD compares: Non-Finnish European, 0.000085%; no homozygotes.

Submissions (8):

Genetics Laboratory, Great Ormond Street Hospital NHS Foundation Trust, North Thames Genomic Laboratory Hub
Classification: Likely pathogenic for Retinal disorders. Last evaluated: 2026-02-04. Review status: criteria provided, single submitter. Criteria: ACGS Best Practice Guidelines for Variant Classification in Rare Disease 2024 v1.2. Collection method: clinical testing. Allele origin: germline. Affected: yes.
Comment: PS4_moderate, PM2_moderate, PP3_supporting, PM5_moderate, PM1_moderate

Labcorp Genetics (formerly Invitae), Labcorp
Classification: Pathogenic. Last evaluated: 2025-12-24. Review status: criteria provided, single submitter. Criteria: Invitae Variant Classification Sherloc (09022015). Collection method: clinical testing. Allele origin: germline.
Comment: This sequence change replaces arginine, which is basic and polar, with histidine, which is basic and polar, at codon 681 of the SNRNP200 protein (p.Arg681His). This variant is not present in population databases (gnomAD no frequency). This missense change has been observed in individuals with autosomal dominant retinitis pigmentosa (PMID: 21618346, 24940031, 28076437, 30360737). It has also been observed to segregate with disease in related individuals. ClinVar contains an entry for this variant (Variation ID: 143144). Invitae Evidence Modeling of protein sequence and biophysical properties (such as structural, functional, and spatial information, amino acid conservation, physicochemical variation, residue mobility, and thermodynamic stability) indicates that this missense variant is expected to disrupt SNRNP200 protein function with a positive predictive value of 95%. This variant disrupts the p.Arg681 amino acid residue in SNRNP200. Other variant(s) that disrupt this residue have been determined to be pathogenic (PMID: 21618346, 24516651, 28076437). This suggests that this residue is clinically significant, and that variants that disrupt this residue are likely to be disease-causing. For these reasons, this variant has been classified as Pathogenic.

Dept Of Ophthalmology, Nagoya University
Classification: Likely pathogenic for Retinal dystrophy. Last evaluated: 2023-10-01. Review status: criteria provided, single submitter. Criteria: Submitter's publication. Collection method: research. Allele origin: germline. Affected: yes.

3billion
Classification: Pathogenic for Retinitis pigmentosa 33. Last evaluated: 2023-09-06. Review status: criteria provided, single submitter. Criteria: ACMG Guidelines, 2015. Collection method: clinical testing. Allele origin: germline. Affected: yes.
Comment: The variant is not observed in the gnomAD v2.1.1 dataset. Predicted Consequence/Location: Missense changes are a common disease-causing mechanism. In silico tool predictions suggest damaging effect of the variant on gene or gene product [REVEL: 0.94 (>=0.6, sensitivity 0.68 and specificity 0.92); 3Cnet: 0.99 (>=0.6, sensitivity 0.72 and precision 0.9)]. Same nucleotide change resulting in same amino acid change (ClinVar ID: VCV000143144 /PMID: 21618346) and different missense changes at the same codon (p.Arg681Cys, p.Arg681Leu / ClinVar ID: VCV000636112, VCV000812431 /PMID: 21618346, 24516651) have been previously reported as pathogenic/likely pathogenic with strong evidence (ClinVar ID: VCV000143144 /PMID: 21618346). Therefore, this variant is classified as Pathogenic according to the recommendation of ACMG/AMP guideline.

Blueprint Genetics
Classification: Pathogenic for SNRNP200-related disorders. Last evaluated: 2022-09-07. Review status: criteria provided, single submitter. Criteria: ACMG Guidelines, 2015. Collection method: clinical testing. Allele origin: germline. Affected: yes. Observed: 5 variant alleles.

Ocular Genomics Institute, Massachusetts Eye and Ear
Classification: Likely pathogenic for Retinitis pigmentosa 33. Last evaluated: 2021-04-08. Review status: criteria provided, single submitter. Criteria: ACMG Guidelines, 2015. Collection method: research. Allele origin: germline. Affected: yes.
Comment: Through a review of available evidence we were able to apply the following criteria: PM1, PM2, PM5, PP3. Based on this evidence we have classified this variant as Likely Pathogenic.

Institute of Human Genetics, Univ. Regensburg, Univ. Regensburg
Classification: Likely pathogenic for Retinal dystrophy. Last evaluated: 2019-01-01. Review status: criteria provided, single submitter. Criteria: ACMG Guidelines, 2015. Collection method: clinical testing. Allele origin: germline. Affected: yes.

Department of Ophthalmology and Visual Sciences Kyoto University
Classification: Pathogenic for Retinitis pigmentosa. Review status: no assertion criteria provided. Collection method: not provided. Allele origin: unknown. Not counted in ClinVar's aggregate classification.
ClinVar note: Converted during submission from pathogenic to Pathogenic.

Literature cited by the submitters: PubMed 21618346 (cited by 4 submitters); PubMed 24940031 (cited by Labcorp Genetics (formerly Invitae), Labcorp); PubMed 28076437 (cited by Labcorp Genetics (formerly Invitae), Labcorp); PubMed 30360737 (cited by Labcorp Genetics (formerly Invitae), Labcorp and Institute of Human Genetics, Univ. Regensburg, Univ. Regensburg); PubMed 24516651 (cited by Labcorp Genetics (formerly Invitae), Labcorp); PubMed 31054281 (cited by Institute of Human Genetics, Univ. Regensburg, Univ. Regensburg); PubMed 31213501 (cited by Institute of Human Genetics, Univ. Regensburg, Univ. Regensburg); PubMed 31486839 (cited by Institute of Human Genetics, Univ. Regensburg, Univ. Regensburg); PubMed 32090030 (cited by Institute of Human Genetics, Univ. Regensburg, Univ. Regensburg); PubMed 32531858 (cited by Institute of Human Genetics, Univ. Regensburg, Univ. Regensburg); PubMed 32037395 (cited by Institute of Human Genetics, Univ. Regensburg, Univ. Regensburg); PubMed 33576794 (cited by Institute of Human Genetics, Univ. Regensburg, Univ. Regensburg); PubMed 33749171 (cited by Institute of Human Genetics, Univ. Regensburg, Univ. Regensburg).

NM_014014.5(SNRNP200):c.2042G>A (p.Arg681His)

Gene: SNRNP200 (small nuclear ribonucleoprotein U5 subunit 200; minus strand). Cytogenetic location: 2q11.2.
Variant type: single nucleotide variant.
Coding change: c.2042G>A on transcript NM_014014.5 (MANE Select); coding-DNA position 2042, G replaced by A.
Protein change: p.Arg681His; replaces arginine 681 with histidine.
Molecular consequence: missense variant.
Genome position (GRCh38, 1-based): chr2:96,293,090, C>T on the plus strand (G>A on the coding strand, the complement: SNRNP200 is on the minus strand). VCF-style: chr2-96293090-C-T. GRCh37 (hg19) VCF-style: chr2-96958828-C-T.
Other names: short protein forms R681H.
Identifiers: ClinVar variation 143144 (VCV000143144.18), dbSNP rs527236113, ClinGen allele CA270107.